The following is an entry in ClinVar:

NM_001365951.3(KIF1B):c.3244C>G (p.Arg1082Gly)

Gene: KIF1B (kinesin family member 1B; plus strand). Cytogenetic location: 1p36.22.
Variant type: single nucleotide variant.
Coding change: c.3244C>G on transcript NM_001365951.3 (MANE Select); coding-DNA position 3244, C replaced by G.
Protein change: p.Arg1082Gly; replaces arginine 1082 with glycine.
Molecular consequence: missense variant.
Genome position (GRCh38, 1-based): chr1:10,337,188, C>G. VCF-style: chr1-10337188-C-G. GRCh37 (hg19) VCF-style: chr1-10397246-C-G.
Other names: c.3244C>G, p.Arg1082Gly (NM_001365952.1); c.3106C>G, p.Arg1036Gly (NM_015074.3); short protein forms R1082G, R1036G.
Identifiers: ClinVar variation 3534089 (VCV003534089.1).

ClinVar aggregate classification (germline): Uncertain significance (1 of 4 stars; one submission).

Submission:

Ambry Genetics
Classification: Uncertain significance. Last evaluated: 2024-11-17. Review status: criteria provided, single submitter. Criteria: Ambry Variant Classification Scheme 2023. Collection method: clinical testing. Allele origin: germline.
Comment: The p.R1036G variant (also known as c.3106C>G), located in coding exon 27 of the KIF1B gene, results from a C to G substitution at nucleotide position 3106. The arginine at codon 1036 is replaced by glycine, an amino acid with dissimilar properties. This amino acid position is conserved. In addition, this alteration is predicted to be tolerated by in silico analysis. Based on the available evidence, the clinical significance of this variant remains unclear.